The following is an entry in ClinVar:

ClinVar aggregate classification (germline): Uncertain significance (1 of 4 stars; one submission).

Conditions:
Oocyte/zygote/embryo maturation arrest 25. Identifiers: MedGen C6065949, MONDO:0980964, OMIM 621471.
Hydatidiform mole, recurrent, 1 (HYDM1). Identifiers: Orphanet 254688, Orphanet 99927, MedGen C3463897, MONDO:0009273, OMIM 231090. Disease mechanism: loss of function.

gnomAD v4.1: 106 of 1,613,988 alleles (0.0066%); highest among the groups gnomAD compares: South Asian, 0.0099%; no homozygotes.

Submission:

Juno Genomics, Hangzhou Juno Genomics, Inc
Classification: Uncertain significance for Oocyte/zygote/embryo maturation arrest 25; Hydatidiform mole, recurrent, 1. Review status: criteria provided, single submitter. Criteria: ACMG Guidelines, 2015. Collection method: clinical testing. Allele origin: germline. Affected: yes.
Comment: Absent from controls (or at extremely low frequency if recessive) in Genome Aggregation Database.;For recessive disorders, detected in trans with a pathogenic variant.;Patient's phenotype or family history is highly specific for a disease with a single genetic etiology.

NM_001127255.2(NLRP7):c.2573T>C (p.Ile858Thr)

Genes: NCR1 (natural cytotoxicity triggering receptor 1), NLRP7 (NLR family pyrin domain containing 7; minus strand). Cytogenetic location: 19q13.42.
Variant type: single nucleotide variant.
Coding change: c.2573T>C on transcript NM_001127255.2 (MANE Select); coding-DNA position 2573, T replaced by C.
Protein change: p.Ile858Thr; replaces isoleucine 858 with threonine.
Molecular consequence: missense variant.
Genome position (GRCh38, 1-based): chr19:54,933,638, A>G on the plus strand (T>C on the coding strand, the complement: NLRP7 is on the minus strand). VCF-style: chr19-54933638-A-G. GRCh37 (hg19) VCF-style: chr19-55445006-A-G.
Other names: c.2573T>C, p.Ile858Thr (NM_001405531.1, NM_206828.4); c.2489T>C, p.Ile830Thr (NM_139176.4); short protein forms I830T, I858T.
Identifiers: ClinVar variation 5037962 (VCV005037962.1).